The following is an entry in ClinVar:

NM_153006.3(NAGS):c.345del (p.Ser116fs)

Gene: NAGS (N-acetylglutamate synthase; plus strand). Cytogenetic location: 17q21.31.
Variant type: Deletion.
Coding change: c.345del on transcript NM_153006.3 (MANE Select); coding-DNA position 345, one base deleted (C; older notation c.345delC).
Protein change: p.Ser116fs; shifts the reading frame from serine 116.
Molecular consequence: frameshift variant.
Genome position (GRCh38, 1-based): chr17:44,005,008, C deleted; the last of 2 consecutive C bases (chr17:44,005,007-44,005,008); deleting either gives the same sequence. VCF-style (leftmost placement, unchanged base first): chr17-44005006-GC-G. GRCh37 (hg19) VCF-style: chr17-42082374-GC-G.
Other names: short protein forms S116fs.
Identifiers: ClinVar variation 5005762 (VCV005005762.2).

ClinVar aggregate classification (germline): Likely pathogenic (1 of 4 stars; one submission).

Conditions:
Hyperammonemia, type III (NAGSD). Also called: Hyperammonemia due to N-acetylglutamate synthase deficiency. Identifiers: Orphanet 927, MedGen C0268543, MONDO:0009377, OMIM 237310.

Submission:

Juno Genomics, Hangzhou Juno Genomics, Inc
Classification: Likely pathogenic for Hyperammonemia, type III. Review status: criteria provided, single submitter. Criteria: ACMG Guidelines, 2015. Collection method: clinical testing. Allele origin: germline.
Comment: Null variant in a gene where loss of function (LOF) is a known mechanism of disease.;Absent from controls (or at extremely low frequency if recessive) in Genome Aggregation Database.